The following is an entry in ClinVar:

ClinVar aggregate classification (germline): Uncertain significance. Review status: criteria provided, multiple submitters, no conflicts (2 of 4 stars). 2 submissions from 2 submitters: Uncertain significance (2). Last evaluated 2025-12-03.

Allele frequency attached by ClinVar (database versions not stated): gnomAD exomes 0.00003; ExAC 0.00007; gnomAD 0.00008; TOPMed 0.00013; ESP Exome Variant Server 0.00031.
gnomAD v4.1: 65 of 1,613,804 alleles (0.004%); highest among the groups gnomAD compares: African/African-American, 0.021%; no homozygotes.

Submissions (2):

Ambry Genetics
Classification: Uncertain significance. Last evaluated: 2025-12-03. Review status: criteria provided, single submitter. Criteria: Ambry Variant Classification Scheme 2023. Collection method: clinical testing. Allele origin: germline.

Labcorp Genetics (formerly Invitae), Labcorp
Classification: Uncertain significance. Last evaluated: 2025-11-27. Review status: criteria provided, single submitter. Criteria: Invitae Variant Classification Sherloc (09022015). Collection method: clinical testing. Allele origin: germline.
Comment: This sequence change replaces asparagine, which is neutral and polar, with aspartic acid, which is acidic and polar, at codon 317 of the NDUFAF1 protein (p.Asn317Asp). This variant is present in population databases (rs369613919, gnomAD 0.03%). This variant has not been reported in the literature in individuals affected with NDUFAF1-related conditions. ClinVar contains an entry for this variant (Variation ID: 2192460). An algorithm developed to predict the effect of missense changes on protein structure and function (PolyPhen-2) suggests that this variant is likely to be tolerated. In summary, the available evidence is currently insufficient to determine the role of this variant in disease. Therefore, it has been classified as a Variant of Uncertain Significance.

NM_016013.4(NDUFAF1):c.949A>G (p.Asn317Asp)

Gene: NDUFAF1 (NADH:ubiquinone oxidoreductase complex assembly factor 1; minus strand). Cytogenetic location: 15q15.1.
Variant type: single nucleotide variant.
Coding change: c.949A>G on transcript NM_016013.4 (MANE Select); coding-DNA position 949, A replaced by G.
Protein change: p.Asn317Asp; replaces asparagine 317 with aspartic acid.
Molecular consequence: missense variant. On other transcripts: non-coding transcript variant (1).
Genome position (GRCh38, 1-based): chr15:41,387,479, T>C on the plus strand (A>G on the coding strand, the complement: NDUFAF1 is on the minus strand). VCF-style: chr15-41387479-T-C. GRCh37 (hg19) VCF-style: chr15-41679677-T-C.
Other names: c.949A>G (NM_016013.2); short protein forms N317D.
Identifiers: ClinVar variation 2192460 (VCV002192460.6), dbSNP rs369613919, ClinGen allele CA7491188.